The following is an entry in ClinVar:

ClinVar aggregate classification (germline): Uncertain significance. Review status: criteria provided, multiple submitters, no conflicts (2 of 4 stars). 2 submissions from 2 submitters: Uncertain significance (2). Last evaluated 2026-04-07.

Conditions:
INPP5E-related disorder. Also called: INPP5E-related condition.
Joubert syndrome. Also called: Familial aplasia of the vermis; JOUBERT-BOLTSHAUSER SYNDROME. Identifiers: Orphanet 475, MedGen C5979921, MONDO:0018772.

Allele frequency attached by ClinVar (database versions not stated): TOPMed 0.00001.
gnomAD v4.1: 4 of 1,545,128 alleles (0.00026%); highest among the groups gnomAD compares: African/African-American, 0.0055%; no homozygotes.

Submissions (2):

PreventionGenetics, part of Exact Sciences
Classification: Uncertain significance for INPP5E-related condition. Last evaluated: 2026-04-07. Review status: criteria provided, single submitter. Criteria: ACMG Guidelines, 2015. Collection method: clinical testing. Allele origin: germline.
Comment: The INPP5E c.906C>A variant is predicted to result in the amino acid substitution p.Phe302Leu. To our knowledge, this variant has not been reported in the literature or in a large population database (gnomAD), indicating this variant is rare. At this time, the clinical significance of this variant is uncertain due to the absence of conclusive functional and genetic evidence.

Labcorp Genetics (formerly Invitae), Labcorp
Classification: Uncertain significance for Joubert syndrome. Last evaluated: 2023-05-08. Review status: criteria provided, single submitter. Criteria: Invitae Variant Classification Sherloc (09022015). Collection method: clinical testing. Allele origin: germline.
Comment: In summary, the available evidence is currently insufficient to determine the role of this variant in disease. Therefore, it has been classified as a Variant of Uncertain Significance. Advanced modeling of protein sequence and biophysical properties (such as structural, functional, and spatial information, amino acid conservation, physicochemical variation, residue mobility, and thermodynamic stability) has been performed at Invitae for this missense variant, however the output from this modeling did not meet the statistical confidence thresholds required to predict the impact of this variant on INPP5E protein function. ClinVar contains an entry for this variant (Variation ID: 962407). This variant has not been reported in the literature in individuals affected with INPP5E-related conditions. This variant is not present in population databases (gnomAD no frequency). This sequence change replaces phenylalanine, which is neutral and non-polar, with leucine, which is neutral and non-polar, at codon 302 of the INPP5E protein (p.Phe302Leu).

NM_019892.6(INPP5E):c.906C>A (p.Phe302Leu)

Gene: INPP5E (inositol polyphosphate-5-phosphatase E; minus strand). Cytogenetic location: 9q34.3.
Variant type: single nucleotide variant.
Coding change: c.906C>A on transcript NM_019892.6 (MANE Select); coding-DNA position 906, C replaced by A.
Protein change: p.Phe302Leu; replaces phenylalanine 302 with leucine.
Molecular consequence: missense variant.
Genome position (GRCh38, 1-based): chr9:136,434,770, G>T on the plus strand (C>A on the coding strand, the complement: INPP5E is on the minus strand). VCF-style: chr9-136434770-G-T. GRCh37 (hg19) VCF-style: chr9-139329222-G-T.
Other names: c.906C>A (NM_019892.5); c.906C>A, p.Phe302Leu (NM_001318502.2); short protein forms F302L.
Identifiers: ClinVar variation 962407 (VCV000962407.10), dbSNP rs140222295, ClinGen allele CA201644747.